The following is an entry in ClinVar:

ClinVar aggregate classification (germline): Conflicting classifications of pathogenicity. Review status: criteria provided, conflicting classifications (1 of 4 stars). 4 submissions from 4 submitters: Uncertain significance (1); Likely benign (3). Last evaluated 2026-01-31.

Allele frequency attached by ClinVar (database versions not stated): gnomAD 0.00004; TOPMed 0.00004; gnomAD exomes 0.00007 and 0.00012; ExAC 0.00015; 1000 Genomes Project 30x 0.00031; 1000 Genomes Project 0.00040.
gnomAD v4.1: 101 of 1,601,424 alleles (0.0063%); highest among the groups gnomAD compares: East Asian, 0.14%; 1 homozygote.

Submissions (4):

Labcorp Genetics (formerly Invitae), Labcorp
Classification: Likely benign. Last evaluated: 2026-01-31. Review status: criteria provided, single submitter. Criteria: Invitae Variant Classification Sherloc (09022015). Collection method: clinical testing. Allele origin: germline.

Blueprint Genetics
Classification: Likely benign. Last evaluated: 2020-09-09. Review status: criteria provided, single submitter. Criteria: ACMG Guidelines, 2015. Collection method: clinical testing. Allele origin: germline.

Eurofins Ntd Llc (ga)
Classification: Uncertain significance. Last evaluated: 2017-05-05. Review status: criteria provided, single submitter. Criteria: EGL Classification Definitions 2015. Collection method: clinical testing. Allele origin: germline. Observed: 1 variant allele, 1 heterozygote.

Laboratory for Molecular Medicine, Mass General Brigham Personalized Medicine
Classification: Likely benign. Last evaluated: 2011-12-13. Review status: criteria provided, single submitter. Criteria: LMM Criteria. Collection method: clinical testing. Allele origin: germline. Observed: 1 variant allele.
Comment: 1417-8G>A in intron 6 of DFNB31: This variant is not expected to have clinical significance because it is not predicted to impact the splice consensus sequence .

NM_015404.4(WHRN):c.1417-8G>A

Gene: WHRN (whirlin; minus strand). Cytogenetic location: 9q32.
Variant type: single nucleotide variant.
Coding change: c.1417-8G>A on transcript NM_015404.4 (MANE Select); 8 bases into the intron before coding-DNA position 1417, G replaced by A.
Molecular consequence: intron variant.
Genome position (GRCh38, 1-based): chr9:114,423,531, C>T on the plus strand (G>A on the coding strand, the complement: WHRN is on the minus strand). VCF-style: chr9-114423531-C-T. GRCh37 (hg19) VCF-style: chr9-117185811-C-T.
Other names: c.1417-8G>A (NM_001173425.2); c.268-8G>A (NM_001083885.3); c.364-8G>A (NM_001346890.1).
Identifiers: ClinVar variation 45653 (VCV000045653.19), dbSNP rs202228471, ClinGen allele CA136880.
Genomic context (GRCh38, chr9:114,423,531, plus strand): 5'-CGTTCTAGGTCTTGCGGGGAAATGGTGCCTCTCACCTCAGAGAGGAGTGAGAACTGGAGG[C>T]GGGGACAAAAGGGGCACTCAGCAGGGAGCGCTACTAGAAGGTGGAACAGGGGCCCTGCTA-3'